The following is an entry in ClinVar:

NM_004208.4(AIFM1):c.1174G>A (p.Asp392Asn)

Genes: AIFM1 (apoptosis inducing factor mitochondria associated 1; minus strand), RAB33A (RAB33A, member RAS oncogene family; plus strand). Cytogenetic location: Xq26.1.
Variant type: single nucleotide variant.
Coding change: c.1174G>A on transcript NM_004208.4 (MANE Select); coding-DNA position 1174, G replaced by A.
Protein change: p.Asp392Asn; replaces aspartic acid 392 with asparagine.
Molecular consequence: missense variant. On other transcripts: 3 prime UTR variant (1), non-coding transcript variant (1).
Genome position (GRCh38, 1-based): chrX:130,136,176, C>T on the plus strand (G>A on the coding strand, the complement: AIFM1 is on the minus strand). VCF-style: chrX-130136176-C-T. GRCh37 (hg19) VCF-style: chrX-129270151-C-T.
Other names: c.157G>A, p.Asp53Asn (NM_001130846.4); c.*402G>A (NM_001130847.4); c.1162G>A, p.Asp388Asn (NM_145812.3); short protein forms D388N, D392N, D53N.
Identifiers: ClinVar variation 1441183 (VCV001441183.8), dbSNP rs2124651896, ClinGen allele CA414575724.
Genomic context (GRCh38, chrX:130,136,176, plus strand): 5'-GGCCACCAGTCTTGGCCAACTCAACATTGGGCTCCAGGCCCACAGCTGCCACTATGTGGT[C>T]AGTTTCTACCTGAGGCAAAAAAGAAATAATTCAGTCAATTACCACAGTTTCCATTTATGC-3'
Protein context (NP_004199.1, residues 382-402): KLKDGRKVET[Asp392Asn]HIVAAVGLEP

ClinVar aggregate classification (germline): Uncertain significance (1 of 4 stars; one submission).

Conditions:
Combined oxidative phosphorylation deficiency. Identifiers: MedGen C4540031, MONDO:0000732.
Charcot-Marie-Tooth Neuropathy X. Identifiers: MedGen CN118851.

Submission:

Labcorp Genetics (formerly Invitae), Labcorp
Classification: Uncertain significance for Charcot-Marie-Tooth Neuropathy X; Combined oxidative phosphorylation deficiency. Last evaluated: 2021-04-04. Review status: criteria provided, single submitter. Criteria: Invitae Variant Classification Sherloc (09022015). Collection method: clinical testing. Allele origin: germline.
Comment: In summary, the available evidence is currently insufficient to determine the role of this variant in disease. Therefore, it has been classified as a Variant of Uncertain Significance. Advanced modeling of protein sequence and biophysical properties (such as structural, functional, and spatial information, amino acid conservation, physicochemical variation, residue mobility, and thermodynamic stability) performed at Invitae indicates that this missense variant is expected to disrupt AIFM1 protein function. This variant has not been reported in the literature in individuals with AIFM1-related conditions. This variant is not present in population databases (ExAC no frequency). This sequence change replaces aspartic acid with asparagine at codon 392 of the AIFM1 protein (p.Asp392Asn). The aspartic acid residue is highly conserved and there is a small physicochemical difference between aspartic acid and asparagine.